The following is an entry in ClinVar:

ClinVar aggregate classification (germline): Uncertain significance. Review status: criteria provided, multiple submitters, no conflicts (2 of 4 stars). 3 submissions from 3 submitters: Uncertain significance (2). 1 of the submissions does not count toward it. Last evaluated 2024-08-29.

Conditions:
Episodic ataxia type 5. Identifiers: Orphanet 211067, MedGen C1866039, MONDO:0013464, OMIM 613855.

Allele frequency attached by ClinVar (database versions not stated): gnomAD exomes below 0.00001 and 0.00001; ExAC 0.00001; gnomAD 0.00001; ESP Exome Variant Server 0.00008; TOPMed 0.00001.
gnomAD v4.1: 14 of 1,613,148 alleles (0.00087%); highest among the groups gnomAD compares: Non-Finnish European, 0.0012%; no homozygotes.

Submissions (3):

Athena Diagnostics
Classification: Uncertain significance. Last evaluated: 2024-08-29. Review status: criteria provided, single submitter. Criteria: Athena Diagnostics Criteria. Collection method: clinical testing. Allele origin: unknown.
Comment: Available data are insufficient to determine the clinical significance of the variant at this time. The frequency of this variant in the general population is uninformative in assessment of its pathogenicity. Polyphen and MutationTaster yielded discordant predictions regarding whether this amino acid change is damaging to the protein.

Illumina Laboratory Services, Illumina
Classification: Uncertain significance for Episodic ataxia type 5. Last evaluated: 2018-01-13. Review status: criteria provided, single submitter. Criteria: ICSL Variant Classification Criteria 13 December 2019. Collection method: clinical testing. Allele origin: germline.

Zotz-Klimas Genetics Lab, MVZ Zotz Klimas
Classification: Uncertain significance for Episodic ataxia type 5. Last evaluated: 2023-10-30. Review status: no assertion criteria provided. Collection method: clinical testing. Allele origin: germline. Affected: yes. Not counted in ClinVar's aggregate classification.

NM_000726.5(CACNB4):c.1535A>G (p.Tyr512Cys)

Gene: CACNB4 (calcium voltage-gated channel auxiliary subunit beta 4; minus strand). Cytogenetic location: 2q23.3.
Variant type: single nucleotide variant.
Coding change: c.1535A>G on transcript NM_000726.5 (MANE Select); coding-DNA position 1535, A replaced by G.
Protein change: p.Tyr512Cys; replaces tyrosine 512 with cysteine.
Molecular consequence: missense variant.
Genome position (GRCh38, 1-based): chr2:151,839,147, T>C on the plus strand (A>G on the coding strand, the complement: CACNB4 is on the minus strand). VCF-style: chr2-151839147-T-C. GRCh37 (hg19) VCF-style: chr2-152695661-T-C.
Other names: c.1481A>G, p.Tyr494Cys (NM_001005746.4); c.1433A>G, p.Tyr478Cys (NM_001005747.4); c.1349A>G, p.Tyr450Cys (NM_001145798.3); c.1394A>G, p.Tyr465Cys (NM_001320722.3, NM_001330118.2); c.1292A>G, p.Tyr431Cys (NM_001330113.2); c.881A>G, p.Tyr294Cys (NM_001330114.2); c.1244A>G, p.Tyr415Cys (NM_001330115.2); c.1205A>G, p.Tyr402Cys (NM_001330116.2); and 1 more; short protein forms Y478C, Y512C, Y294C, Y326C, Y431C, Y450C, Y465C, Y494C.
Identifiers: ClinVar variation 894704 (VCV000894704.6), dbSNP rs373677349, ClinGen allele CA1912323.